The following is an entry in ClinVar:

ClinVar aggregate classification (germline): Benign (0 of 4 stars; one submission).

Conditions:
SSTR5-related disorder. Also called: SSTR5-related condition.

Allele frequency attached by ClinVar (database versions not stated): ESP Exome Variant Server 0.00023; gnomAD exomes 0.00060; gnomAD 0.00106; TOPMed 0.00119; ExAC 0.00211; 1000 Genomes Project 0.00639; 1000 Genomes Project 30x 0.00671.

Submission:

PreventionGenetics, part of Exact Sciences
Classification: Benign for SSTR5-related condition. Last evaluated: 2019-07-30. Review status: no assertion criteria provided. Collection method: clinical testing. Allele origin: germline.
Comment: This variant is classified as benign based on ACMG/AMP sequence variant interpretation guidelines (Richards et al. 2015 PMID: 25741868, with internal and published modifications).

NM_001172560.3(SSTR5):c.636G>A (p.Ala212=)

Gene: SSTR5 (somatostatin receptor 5; plus strand). Cytogenetic location: 16p13.3.
Variant type: single nucleotide variant.
Coding change: c.636G>A on transcript NM_001172560.3 (MANE Select); coding-DNA position 636, G replaced by A.
Protein change: p.Ala212=; no amino-acid change (alanine 212 retained).
Molecular consequence: synonymous variant.
Genome position (GRCh38, 1-based): chr16:1,079,504, G>A. VCF-style: chr16-1079504-G-A. GRCh37 (hg19) VCF-style: chr16-1129504-G-A.
Other names: c.636G>A, p.Ala212= (NM_001053.4).
Identifiers: ClinVar variation 3043767 (VCV003043767.2), dbSNP rs35798577, ClinGen allele CA7798778.